The following is an entry in ClinVar:

NM_001374736.1(DST):c.17968C>G (p.Leu5990Val)

Gene: DST (dystonin; minus strand). Cytogenetic location: 6p12.1.
Variant type: single nucleotide variant.
Coding change: c.17968C>G on transcript NM_001374736.1 (MANE Select); coding-DNA position 17968, C replaced by G.
Protein change: p.Leu5990Val; replaces leucine 5990 with valine.
Molecular consequence: missense variant.
Genome position (GRCh38, 1-based): chr6:56,526,522, G>C on the plus strand (C>G on the coding strand, the complement: DST is on the minus strand). VCF-style: chr6-56526522-G-C. GRCh37 (hg19) VCF-style: chr6-56391320-G-C.
Other names: c.11611C>G, p.Leu3871Val (NM_001144769.5); c.11197C>G, p.Leu3733Val (NM_001144770.2); c.17968C>G, p.Leu5990Val (NM_001374722.1); c.17008C>G, p.Leu5670Val (NM_001374729.1); c.10750C>G, p.Leu3584Val (NM_001374730.1); c.17995C>G, p.Leu5999Val (NM_001374734.1); c.11077C>G, p.Leu3693Val (NM_001386100.1, NM_183380.4); c.10099C>G, p.Leu3367Val (NM_015548.5); short protein forms L3367V, L3733V, L3871V, L5990V, L5999V, L3584V, L3693V, L5670V.
Identifiers: ClinVar variation 1513466 (VCV001513466.6), dbSNP rs755319932, ClinGen allele CA3867326.

ClinVar aggregate classification (germline): Uncertain significance (1 of 4 stars; one submission).

Conditions:
Epidermolysis bullosa simplex 3, localized or generalized intermediate, with BP230 deficiency (EBS3). Also called: Epidermolysis bullosa simplex due to BP230 deficiency; Epidermolysis bullosa simplex, autosomal recessive 2. Identifiers: Orphanet 412181, MedGen C3809470, MONDO:0014180, OMIM 615425.
Hereditary sensory and autonomic neuropathy type 6. Also called: HSAN VI; Neuropathy, hereditary sensory and autonomic, type VI. Identifiers: Orphanet 314381, MedGen C3539003, MONDO:0013839, OMIM 614653.

Allele frequency attached by ClinVar (database versions not stated): gnomAD exomes below 0.00001 and 0.00001; ExAC 0.00001.
gnomAD v4.1: 2 of 1,613,730 alleles (0.00012%); highest among the groups gnomAD compares: Non-Finnish European, 0.00017%; no homozygotes.

Submission:

Labcorp Genetics (formerly Invitae), Labcorp
Classification: Uncertain significance for Epidermolysis bullosa simplex 3, localized or generalized intermediate, with BP230 deficiency; Hereditary sensory and autonomic neuropathy type 6. Last evaluated: 2021-09-27. Review status: criteria provided, single submitter. Criteria: Invitae Variant Classification Sherloc (09022015). Collection method: clinical testing. Allele origin: germline.
Comment: In summary, the available evidence is currently insufficient to determine the role of this variant in disease. Therefore, it has been classified as a Variant of Uncertain Significance. Experimental studies and prediction algorithms are not available or were not evaluated, and the functional significance of this variant is currently unknown. This variant has not been reported in the literature in individuals affected with DST-related conditions. This variant is present in population databases (rs755319932, ExAC 0.001%). This sequence change replaces leucine with valine at codon 3367 of the DST protein (p.Leu3367Val). The DST gene has multiple clinically relevant transcripts. This variant occurs in alternate transcript NM_015548.4, and corresponds to NM_001723.5:c.*88995C>G in the primary transcript.